The following is an entry in ClinVar:

NM_005428.4(VAV1):c.2267C>A (p.Ser756Tyr)

Gene: VAV1 (vav guanine nucleotide exchange factor 1; plus strand). Cytogenetic location: 19p13.3.
Variant type: single nucleotide variant.
Coding change: c.2267C>A on transcript NM_005428.4 (MANE Select); coding-DNA position 2267, C replaced by A.
Protein change: p.Ser756Tyr; replaces serine 756 with tyrosine.
Molecular consequence: missense variant.
Genome position (GRCh38, 1-based): chr19:6,853,014, C>A. VCF-style: chr19-6853014-C-A. GRCh37 (hg19) VCF-style: chr19-6853025-C-A.
Other names: c.2201C>A, p.Ser734Tyr (NM_001258206.2); c.2171C>A, p.Ser724Tyr (NM_001258207.2); short protein forms S734Y, S724Y, S756Y.
Identifiers: ClinVar variation 1351266 (VCV001351266.8), dbSNP rs2144833413, ClinGen allele CA403636643.

ClinVar aggregate classification (germline): Uncertain significance (1 of 4 stars; one submission).

Submission:

Labcorp Genetics (formerly Invitae), Labcorp
Classification: Uncertain significance. Last evaluated: 2020-12-17. Review status: criteria provided, single submitter. Criteria: Invitae Variant Classification Sherloc (09022015). Collection method: clinical testing. Allele origin: germline.
Comment: This sequence change replaces serine with tyrosine at codon 756 of the VAV1 protein (p.Ser756Tyr). The serine residue is weakly conserved and there is a large physicochemical difference between serine and tyrosine. This variant is not present in population databases (ExAC no frequency). This variant has not been reported in the literature in individuals with VAV1-related conditions. Algorithms developed to predict the effect of missense changes on protein structure and function are either unavailable or do not agree on the potential impact of this missense change (SIFT: "Tolerated"; PolyPhen-2: "Possibly Damaging"; Align-GVGD: "Class C0"). In summary, the available evidence is currently insufficient to determine the role of this variant in disease. Therefore, it has been classified as a Variant of Uncertain Significance.